The following is an entry in ClinVar:

NM_144687.4(NLRP12):c.226A>C (p.Thr76Pro)

Gene: NLRP12 (NLR family pyrin domain containing 12; minus strand). Cytogenetic location: 19q13.42.
Variant type: single nucleotide variant.
Coding change: c.226A>C on transcript NM_144687.4 (MANE Select); coding-DNA position 226, A replaced by C.
Protein change: p.Thr76Pro; replaces threonine 76 with proline.
Molecular consequence: missense variant.
Genome position (GRCh38, 1-based): chr19:53,823,949, T>G on the plus strand (A>C on the coding strand, the complement: NLRP12 is on the minus strand). VCF-style: chr19-53823949-T-G. GRCh37 (hg19) VCF-style: chr19-54327203-T-G.
Other names: c.226A>C, p.Thr76Pro (NM_001277126.2, NM_001277129.1); short protein forms T76P.
Identifiers: ClinVar variation 1348309 (VCV001348309.6), dbSNP rs2122811413, ClinGen allele CA407419063.

ClinVar aggregate classification (germline): Uncertain significance (1 of 4 stars; one submission).

Conditions:
Familial cold autoinflammatory syndrome 2 (FCAS2). Identifiers: Orphanet 247868, MedGen C2673198, MONDO:0012724, OMIM 611762.

Submission:

Labcorp Genetics (formerly Invitae), Labcorp
Classification: Uncertain significance for Familial cold autoinflammatory syndrome 2. Last evaluated: 2025-08-11. Review status: criteria provided, single submitter. Criteria: Invitae Variant Classification Sherloc (09022015). Collection method: clinical testing. Allele origin: germline.
Comment: This sequence change replaces threonine, which is neutral and polar, with proline, which is neutral and non-polar, at codon 76 of the NLRP12 protein (p.Thr76Pro). This variant is not present in population databases (gnomAD no frequency). This variant has not been reported in the literature in individuals affected with NLRP12-related conditions. ClinVar contains an entry for this variant (Variation ID: 1348309). Invitae Evidence Modeling of protein sequence and biophysical properties (such as structural, functional, and spatial information, amino acid conservation, physicochemical variation, residue mobility, and thermodynamic stability) has been performed for this missense variant. However, the output from this modeling did not meet the statistical confidence thresholds required to predict the impact of this variant on NLRP12 protein function. In summary, the available evidence is currently insufficient to determine the role of this variant in disease. Therefore, it has been classified as a Variant of Uncertain Significance.